The following is an entry in ClinVar:

NM_000540.3(RYR1):c.10669C>G (p.Leu3557Val)

Gene: RYR1 (ryanodine receptor 1; plus strand). Cytogenetic location: 19q13.2.
Variant type: single nucleotide variant.
Coding change: c.10669C>G on transcript NM_000540.3 (MANE Select); coding-DNA position 10669, C replaced by G.
Protein change: p.Leu3557Val; replaces leucine 3557 with valine.
Molecular consequence: missense variant.
Genome position (GRCh38, 1-based): chr19:38,527,035, C>G. VCF-style: chr19-38527035-C-G. GRCh37 (hg19) VCF-style: chr19-39017675-C-G.
Other names: c.10654C>G, p.Leu3552Val (NM_001042723.2); short protein forms L3552V, L3557V.
Identifiers: ClinVar variation 3070826 (VCV003070826.2), dbSNP rs1281934824, ClinGen allele CA405646088.

ClinVar aggregate classification (germline): Uncertain significance. Review status: criteria provided, multiple submitters, no conflicts (2 of 4 stars). 2 submissions from 2 submitters: Uncertain significance (2). Last evaluated 2025-08-10.

Conditions:
Malignant hyperthermia, susceptibility to, 1 (MHS1). Also called: Anesthesia related hyperthermia; Malignant hyperpyrexia; Fulminating hyperpyrexia; Pharmacogenic myopathy; RYR1-Related Malignant Hyperthermia Susceptibility; Malignant hyperthermia suceptibility 1. Identifiers: Orphanet 423, MedGen C2930980, MONDO:0007783, OMIM 145600.
Inborn genetic diseases. Identifiers: MedGen C0950123, MeSH D030342.

Allele frequency attached by ClinVar (database versions not stated): gnomAD 0.00001; gnomAD exomes 0.00001.
gnomAD v4.1: 8 of 1,613,912 alleles (0.0005%); highest among the groups gnomAD compares: Non-Finnish European, 0.00059%; no homozygotes.

Submissions (2):

Ambry Genetics
Classification: Uncertain significance for Inborn genetic diseases. Last evaluated: 2025-08-10. Review status: criteria provided, single submitter. Criteria: Ambry Variant Classification Scheme 2023. Collection method: clinical testing. Allele origin: germline.

All of Us Research Program, National Institutes of Health
Classification: Uncertain significance for Malignant hyperthermia, susceptibility to, 1. Last evaluated: 2023-05-04. Review status: criteria provided, single submitter. Criteria: ACMG Guidelines, 2015. Collection method: clinical testing. Allele origin: germline. Inheritance: Autosomal dominant inheritance. Observed: 1 variant allele, 1 heterozygote.
Comment: This missense variant replaces leucine with valine at codon 3557 of the RYR1 protein. Computational prediction is inconclusive regarding the impact of this variant on protein structure and function (internally defined REVEL score threshold 0.5 < inconclusive < 0.7, PMID: 27666373). To our knowledge, functional studies have not been reported for this variant. This variant has not been reported in individuals affected with RYR1-related disorders in the literature. This variant has been identified in 1/251444 chromosomes in the general population by the Genome Aggregation Database (gnomAD). The available evidence is insufficient to determine the role of this variant in disease conclusively. Therefore, this variant is classified as a Variant of Uncertain Significance.

This study involves interpretation of variants in research participants for the purpose of population health screening. Participant phenotype was not available at the time of variant classification. Additional details can be found in publication PMID: 35346344, PMCID: PMC8962531